The following is an entry in ClinVar:

ClinVar aggregate classification (germline): Uncertain significance (1 of 4 stars; one submission).

Conditions:
Inborn genetic diseases. Identifiers: MedGen C0950123, MeSH D030342.

gnomAD v4.1: 1 of 1,614,098 alleles (0.000062%); highest among the groups gnomAD compares: Non-Finnish European, 0.000085%; no homozygotes.

Submission:

Ambry Genetics
Classification: Uncertain significance for Inborn genetic diseases. Last evaluated: 2026-07-13. Review status: criteria provided, single submitter. Criteria: Ambry Variant Classification Scheme 2023. Collection method: clinical testing. Allele origin: germline.
Comment: The p.V37A variant (also known as c.110T>C), located in coding exon 2 of the CEP57 gene, results from a T to C substitution at nucleotide position 110. The valine at codon 37 is replaced by alanine, an amino acid with similar properties. This amino acid position is conserved. In addition, this alteration is predicted to be tolerated by in silico analysis. Based on the available evidence, the clinical significance of this variant remains unclear.

NM_014679.5(CEP57):c.110T>C (p.Val37Ala)

Gene: CEP57 (centrosomal protein 57; plus strand). Cytogenetic location: 11q21.
Variant type: single nucleotide variant.
Coding change: c.110T>C on transcript NM_014679.5 (MANE Select); coding-DNA position 110, T replaced by C.
Protein change: p.Val37Ala; replaces valine 37 with alanine.
Molecular consequence: missense variant.
Genome position (GRCh38, 1-based): chr11:95,799,296, T>C. VCF-style: chr11-95799296-T-C. GRCh37 (hg19) VCF-style: chr11-95532460-T-C.
Other names: c.83T>C, p.Val28Ala (NM_001243776.2); c.110T>C, p.Val37Ala (NM_001243777.2, NM_001440871.1, NM_001440872.1 and 6 more transcripts); c.29T>C, p.Val10Ala (NM_001363604.2, NM_001440869.1, NM_001440870.1 and 4 more transcripts); short protein forms V10A, V37A, V28A.
Identifiers: ClinVar variation 5034371 (VCV005034371.1).